The following is an entry in ClinVar:

NM_024678.6(NARS2):c.791C>G (p.Ser264Cys)

Gene: NARS2 (asparaginyl-tRNA synthetase 2, mitochondrial; minus strand). Cytogenetic location: 11q14.1.
Variant type: single nucleotide variant.
Coding change: c.791C>G on transcript NM_024678.6 (MANE Select); coding-DNA position 791, C replaced by G.
Protein change: p.Ser264Cys; replaces serine 264 with cysteine.
Molecular consequence: missense variant.
Genome position (GRCh38, 1-based): chr11:78,493,094, G>C on the plus strand (C>G on the coding strand, the complement: NARS2 is on the minus strand). VCF-style: chr11-78493094-G-C. GRCh37 (hg19) VCF-style: chr11-78204140-G-C.
Other names: c.110C>G, p.Ser37Cys (NM_001243251.2); c.791C>G (NM_024678.5); short protein forms S37C, S264C.
Identifiers: ClinVar variation 2065599 (VCV002065599.29), dbSNP rs141507678, ClinGen allele CA6205714.

ClinVar aggregate classification (germline): Likely benign. Review status: criteria provided, multiple submitters, no conflicts (2 of 4 stars). 3 submissions from 3 submitters: Likely benign (3). Last evaluated 2026-06-15.

Conditions:
NARS2-related disorder. Also called: NARS2-related condition.

Allele frequency attached by ClinVar (database versions not stated): 1000 Genomes Project 0.00020; 1000 Genomes Project 30x 0.00031; gnomAD 0.00065; ESP Exome Variant Server 0.00069.
gnomAD v4.1: 195 of 1,613,494 alleles (0.012%); highest among the groups gnomAD compares: African/African-American, 0.25%; 1 homozygote.

Submissions (3):

PreventionGenetics, part of Exact Sciences
Classification: Likely benign for NARS2-related condition. Last evaluated: 2026-06-15. Review status: criteria provided, single submitter. Criteria: ACMG Guidelines, 2015. Collection method: clinical testing. Allele origin: germline.
Comment: This variant is classified as likely benign based on ACMG/AMP sequence variant interpretation guidelines (Richards et al. 2015 PMID: 25741868, with internal and published modifications).

Labcorp Genetics (formerly Invitae), Labcorp
Classification: Likely benign. Last evaluated: 2025-10-02. Review status: criteria provided, single submitter. Criteria: Invitae Variant Classification Sherloc (09022015). Collection method: clinical testing. Allele origin: germline.

CeGaT Center for Human Genetics Tuebingen
Classification: Likely benign. Last evaluated: 2023-09-01. Review status: criteria provided, single submitter. Criteria: CeGaT Center For Human Genetics Tuebingen Variant Classification Criteria Version 2. Collection method: clinical testing. Allele origin: germline. Affected: yes. Observed: 1 variant allele.
Comment: NARS2: BP4